The following is an entry in ClinVar:

ClinVar aggregate classification (germline): Uncertain significance (1 of 4 stars; one submission).

Conditions:
Intellectual disability-microcephaly-strabismus-behavioral abnormalities syndrome. Also called: White-Sutton Syndrome. Identifiers: Orphanet 468678, MedGen C4225351, MONDO:0014606, OMIM 616364.

Submission:

Victorian Clinical Genetics Services, Murdoch Childrens Research Institute
Classification: Uncertain significance for Intellectual disability-microcephaly-strabismus-behavioral abnormalities syndrome. Last evaluated: 2022-02-02. Review status: criteria provided, single submitter. Criteria: ACMG Guidelines, 2015. Collection method: clinical testing. Allele origin: germline. Inheritance: Autosomal dominant inheritance. Affected: yes.
Comment: Based on the classification scheme VCGS_Germline_v1.3.4, this variant is classified as VUS-3B. Following criteria are met: 0102 - Loss of function is a known mechanism of disease in this gene and is associated with White-Sutton syndrome (MIM#616364). (I) 0107 - This gene is associated with autosomal dominant disease. (I) 0200 - Variant is predicted to result in a missense amino acid change from proline to arginine. (I) 0251 - This variant is heterozygous. (I) 0301 - Variant is absent from gnomAD (both v2 and v3). (SP) 0501 - Missense variant consistently predicted to be damaging by multiple in silico tools or highly conserved with a major amino acid change. (SP) 0600 - Variant is located in the annotated DDE domain (DECIPHER, Uniprot). (I) 0705 - No comparable missense variants have previous evidence for pathogenicity. (I) 0807 - This variant has no previous evidence of pathogenicity. (I) 0905 - No published segregation evidence has been identified for this variant. (I) 1007 - No published functional evidence has been identified for this variant. (I) 1208 - Inheritance information for this variant is not currently available in this individual. (I) Legend: (SP) - Supporting pathogenic, (I) - Information, (SB) - Supporting benign

NM_015100.4(POGZ):c.3749C>G (p.Pro1250Arg)

Gene: POGZ (pogo transposable element derived with ZNF domain; minus strand). Cytogenetic location: 1q21.3.
Variant type: single nucleotide variant.
Coding change: c.3749C>G on transcript NM_015100.4 (MANE Select); coding-DNA position 3749, C replaced by G.
Protein change: p.Pro1250Arg; replaces proline 1250 with arginine.
Molecular consequence: missense variant.
Genome position (GRCh38, 1-based): chr1:151,405,286, G>C on the plus strand (C>G on the coding strand, the complement: POGZ is on the minus strand). VCF-style: chr1-151405286-G-C. GRCh37 (hg19) VCF-style: chr1-151377762-G-C.
Other names: c.3722C>G, p.Pro1241Arg (NM_001194937.2); c.3563C>G, p.Pro1188Arg (NM_001194938.2); c.3770C>G, p.Pro1257Arg (NM_001410860.1); c.3464C>G, p.Pro1155Arg (NM_145796.4); c.3590C>G, p.Pro1197Arg (NM_207171.2); short protein forms P1155R, P1188R, P1197R, P1241R, P1250R, P1257R.
Identifiers: ClinVar variation 1805078 (VCV001805078.1), dbSNP rs2529197206, ClinGen allele CA341939565.